The following is an entry in ClinVar:

ClinVar aggregate classification (germline): Uncertain significance (1 of 4 stars; one submission).

Conditions:
Alstrom syndrome (ALMS). Identifiers: Orphanet 64, MedGen C0268425, MONDO:0008763, OMIM 203800.

Submission:

Labcorp Genetics (formerly Invitae), Labcorp
Classification: Uncertain significance for Alstrom syndrome. Last evaluated: 2023-12-22. Review status: criteria provided, single submitter. Criteria: Invitae Variant Classification Sherloc (09022015). Collection method: clinical testing. Allele origin: germline.
Comment: This sequence change replaces alanine, which is neutral and non-polar, with glycine, which is neutral and non-polar, at codon 557 of the ALMS1 protein (p.Ala557Gly). This variant is not present in population databases (gnomAD no frequency). This variant has not been reported in the literature in individuals affected with ALMS1-related conditions. ClinVar contains an entry for this variant (Variation ID: 1391748). Experimental studies and prediction algorithms are not available or were not evaluated, and the functional significance of this variant is currently unknown. In summary, the available evidence is currently insufficient to determine the role of this variant in disease. Therefore, it has been classified as a Variant of Uncertain Significance.

NM_001378454.1(ALMS1):c.1667C>G (p.Ala556Gly)

Gene: ALMS1 (ALMS1 centrosome and basal body associated protein; plus strand). Cytogenetic location: 2p13.1.
Variant type: single nucleotide variant.
Coding change: c.1667C>G on transcript NM_001378454.1 (MANE Select); coding-DNA position 1667, C replaced by G.
Protein change: p.Ala556Gly; replaces alanine 556 with glycine.
Molecular consequence: missense variant.
Genome position (GRCh38, 1-based): chr2:73,448,194, C>G. VCF-style: chr2-73448194-C-G. GRCh37 (hg19) VCF-style: chr2-73675321-C-G.
Other names: c.1670C>G, p.Ala557Gly (NM_015120.4); short protein forms A557G, A556G.
Identifiers: ClinVar variation 1391748 (VCV001391748.6), dbSNP rs2103771804, ClinGen allele CA347265069.